The following is an entry in ClinVar:

NM_001267550.2(TTN):c.90470del (p.Gly30157fs)

Genes: TTN-AS1 (TTN antisense RNA 1; plus strand), TTN (titin; minus strand). Cytogenetic location: 2q31.2.
Variant type: Deletion.
Coding change: c.90470del on transcript NM_001267550.2 (MANE Select); coding-DNA position 90470, one base deleted (G; older notation c.90470delG).
Protein change: p.Gly30157fs; shifts the reading frame from glycine 30157.
Molecular consequence: frameshift variant.
Genome position (GRCh38, 1-based): chr2:178,552,430, C deleted on the plus strand (G on the coding strand, the reverse complement: TTN is on the minus strand); the first of 3 consecutive C bases (chr2:178,552,430-178,552,432); deleting any one gives the same sequence. VCF-style (leftmost placement, unchanged base first): chr2-178552429-TC-T. GRCh37 (hg19) VCF-style: chr2-179417156-TC-T.
Other names: c.85547del, p.Gly28516fs (NM_001256850.1); c.63275del, p.Gly21092fs (NM_003319.4); c.82766del, p.Gly27589fs (NM_133378.4); c.63650del, p.Gly21217fs (NM_133432.3); c.63851del, p.Gly21284fs (NM_133437.4); short protein forms G21092fs, G21284fs, G28516fs, G27589fs, G30157fs, G21217fs.
Identifiers: ClinVar variation 4786307 (VCV004786307.1).

ClinVar aggregate classification (germline): Likely pathogenic (1 of 4 stars; one submission).

Conditions:
Autosomal recessive limb-girdle muscular dystrophy type 2J (LGMDR10). Also called: Limb-girdle muscular dystrophy, type 2J; MUSCULAR DYSTROPHY, LIMB-GIRDLE, AUTOSOMAL RECESSIVE 10. Identifiers: Orphanet 140922, MedGen C1837342, MONDO:0012127, OMIM 608807.
Dilated cardiomyopathy 1G (CMD1G). Identifiers: Orphanet 154, MedGen C1858763, MONDO:0011400, OMIM 604145.

Submission:

Labcorp Genetics (formerly Invitae), Labcorp
Classification: Likely pathogenic for Dilated cardiomyopathy 1G; Autosomal recessive limb-girdle muscular dystrophy type 2J. Last evaluated: 2025-10-03. Review status: criteria provided, single submitter. Criteria: Invitae Variant Classification Sherloc (09022015). Collection method: clinical testing. Allele origin: germline.
Comment: This sequence change creates a premature translational stop signal (p.Gly30157Glufs*10) in the TTN gene. While this is not anticipated to result in nonsense mediated decay, it is expected to create a truncated TTN protein. This variant is not present in population databases (gnomAD no frequency). This variant has not been reported in the literature in individuals affected with TTN-related conditions. This variant is located in the A band of TTN (PMID: 25589632). Truncating variants in this region are significantly overrepresented in patients affected with dilated cardiomyopathy (PMID: 25589632). Truncating variants in this region have also been reported in individuals affected with autosomal recessive centronuclear myopathy (PMID: 23975875). In summary, the currently available evidence indicates that the variant is pathogenic, but additional data are needed to prove that conclusively. Therefore, this variant has been classified as Likely Pathogenic.

Literature cited by the submitters: PubMed 25589632; PubMed 23975875.